The following is an entry in ClinVar:

ClinVar aggregate classification (germline): Benign. Review status: criteria provided, multiple submitters, no conflicts (2 of 4 stars). 3 submissions from 3 submitters: Benign (2). 1 of the submissions does not count toward it. Last evaluated 2021-08-10.

Conditions:
Squalene synthase deficiency. Also called: NEURODEVELOPMENTAL DISORDER WITH LOW CHOLESTEROL AND ABNORMAL URINE ORGANIC ACIDS. Identifiers: MedGen C4748427, MONDO:0032566, OMIM 618156.
FDFT1-related disorder. Also called: FDFT1-related condition.

Allele frequency attached by ClinVar (database versions not stated): gnomAD 0.21741 and 0.20851; ESP Exome Variant Server 0.17738; TOPMed 0.21379; ExAC 0.27511; gnomAD exomes 0.27915; 1000 Genomes Project 30x 0.29357; 1000 Genomes Project 0.30691.
gnomAD v4.1: 374,567 of 1,612,362 alleles (23%); highest among the groups gnomAD compares: East Asian, 72%; 51,336 homozygotes.

Submissions (3):

Genome-Nilou Lab
Classification: Benign for Squalene synthase deficiency. Last evaluated: 2021-08-10. Review status: criteria provided, single submitter. Criteria: ACMG Guidelines, 2015. Collection method: clinical testing. Allele origin: germline. Affected: no.

Breakthrough Genomics
Classification: Benign. Review status: criteria provided, single submitter. Criteria: ACMG Guidelines, 2015. Collection method: not provided. Allele origin: germline. Inheritance: Autosomal recessive inheritance. Affected: yes.

PreventionGenetics, part of Exact Sciences
Classification: Benign for FDFT1-related condition. Last evaluated: 2019-10-17. Review status: no assertion criteria provided. Collection method: clinical testing. Allele origin: germline. Not counted in ClinVar's aggregate classification.
Comment: This variant is classified as benign based on ACMG/AMP sequence variant interpretation guidelines (Richards et al. 2015 PMID: 25741868, with internal and published modifications).

NM_004462.5(FDFT1):c.972G>C (p.Leu324=)

Gene: FDFT1 (farnesyl-diphosphate farnesyltransferase 1). Cytogenetic location: 8p23.1.
Variant type: single nucleotide variant.
Coding change: c.972G>C on transcript NM_004462.5 (MANE Select); coding-DNA position 972, G replaced by C.
Protein change: p.Leu324=; no amino-acid change (leucine 324 retained).
Molecular consequence: synonymous variant.
Genome position (GRCh38, 1-based): chr8:11,831,610, G>C. VCF-style: chr8-11831610-G-C. GRCh37 (hg19) VCF-style: chr8-11689119-G-C.
Other names: c.972G>C, p.Leu324= (NM_001287742.2, NM_001287743.2); c.780G>C, p.Leu260= (NM_001287744.2, NM_001287745.2, NM_001287747.2 and 2 more transcripts); c.1149G>C, p.Leu383= (NM_001287750.2); c.717G>C, p.Leu239= (NM_001287751.2); c.471G>C, p.Leu157= (NM_001287756.2); c.1149G>C (NM_001287750.1).
Identifiers: ClinVar variation 1285266 (VCV001285266.5), dbSNP rs9205, ClinGen allele CA4632103.